The following is an entry in ClinVar:

NM_000352.6(ABCC8):c.413-2A>G

Gene: ABCC8 (ATP binding cassette subfamily C member 8; minus strand). Cytogenetic location: 11p15.1.
Variant type: single nucleotide variant.
Coding change: c.413-2A>G on transcript NM_000352.6 (MANE Select); the canonical splice acceptor site of the intron before coding-DNA position 413, A replaced by G.
Molecular consequence: splice acceptor variant.
Genome position (GRCh38, 1-based): chr11:17,463,606, T>C on the plus strand (A>G on the coding strand, the complement: ABCC8 is on the minus strand). VCF-style: chr11-17463606-T-C. GRCh37 (hg19) VCF-style: chr11-17485153-T-C.
Other names: c.413-2A>G (NM_001287174.3, NM_001351297.2, NM_001351296.2 and 2 more transcripts).
Identifiers: ClinVar variation 371110 (VCV000371110.7), dbSNP rs1057517015, ClinGen allele CA16041459.

ClinVar aggregate classification (germline): Conflicting classifications of pathogenicity. Review status: criteria provided, conflicting classifications (1 of 4 stars). 4 submissions from 3 submitters: Likely pathogenic (1); Uncertain significance (2). 1 of the submissions does not count toward it. Last evaluated 2025-02-07.

Conditions:
Hereditary hyperinsulinism.
Transitory neonatal diabetes mellitus. Also called: Transient neonatal diabetes mellitus. Identifiers: MedGen C0342273, MONDO:0020525, HP:0008255.
Maturity-onset diabetes of the young (MODY). Also called: Maturity onset diabetes mellitus in young. Identifiers: Orphanet 552, MedGen C0342276, MONDO:0018911, HP:0004904.
Hyperinsulinemic hypoglycemia, familial, 1 (HHF1). Also called: Persistent Hyperinsulinemia Hypoglycemia of Infancy; HYPERINSULINISM, FAMILIAL, WITH PANCREATIC NESIDIOBLASTOSIS; HYPOGLYCEMIA, HYPERINSULINEMIC, OF INFANCY; NESIDIOBLASTOSIS OF PANCREAS; Persistent hyperinsulinemic hypoglycemia of infancy. Identifiers: Orphanet 276575, Orphanet 276598, MedGen C2931832, MONDO:0009734, OMIM 256450.

Submissions (4):

Natera, Inc.
Classification: Likely pathogenic for Hereditary hyperinsulinism. Last evaluated: 2025-02-07. Review status: criteria provided, single submitter. Criteria: Natera Variant Classification Schema (03/2026). Collection method: clinical testing. Allele origin: germline.
Comment: The c.413-2A>G variant in ABCC8 is a canonical splice acceptor site variant predicted to affect pre-mRNA splicing, which may result in an abnormal transcript and altered protein product. This variant is expected to result in nonsense mediated decay, truncation, or a dysfunctional protein product. This variant is rare in the general population with a frequency below the threshold expected for the associated phenotype(s). Given the available evidence, this variant is classified as Likely Pathogenic.

Clinical Genomics, Uppaluri K&H Personalized Medicine Clinic
Classification: Uncertain significance for Maturity-onset diabetes of the young. Review status: criteria provided, single submitter. Criteria: K & H Uppaluri Personalized Medicine Clinic Variant Classification & Assertion Criteria_Updated V.1. Collection method: research. Allele origin: unknown. Inheritance: Somatic mutation.
Comment: Mutations in ABCC8 gene are associated with both neonatal diabetes mellitus as well as MODY. Patients with this mutation may have a better response to sulfonylureas. However, no sufficient evidence is found to ascertain the role of this particular variant ( rs1057517015) in MODY yet.

Clinical Genomics, Uppaluri K&H Personalized Medicine Clinic
Classification: Uncertain significance for Transitory neonatal diabetes mellitus. Review status: criteria provided, single submitter. Criteria: K & H Uppaluri Personalized Medicine Clinic Variant Classification & Assertion Criteria_Updated V.1. Collection method: research. Allele origin: unknown. Inheritance: Somatic mutation.
Comment: Mutations in ABCC8 gene are associated with both neonatal diabetes mellitus as well as MODY. Patients with this mutation may have a better response to sulfonylureas. However, no sufficient evidence is found to ascertain the role of this particular variant ( rs1057517015) in neonatal diabetes yet.

Counsyl
Classification: Likely pathogenic for Hyperinsulinemic hypoglycemia, familial, 1. Last evaluated: 2016-06-30. Review status: no assertion criteria provided. Collection method: clinical testing. Allele origin: unknown. Not counted in ClinVar's aggregate classification.

Literature cited by the submitters: PubMed 16885549 (cited by Clinical Genomics, Uppaluri K&H Personalized Medicine Clinic); PubMed 21989597 (cited by Clinical Genomics, Uppaluri K&H Personalized Medicine Clinic); PubMed 27538677 (cited by Clinical Genomics, Uppaluri K&H Personalized Medicine Clinic); PubMed 18981553 (cited by Clinical Genomics, Uppaluri K&H Personalized Medicine Clinic); PubMed 32027066 (cited by Clinical Genomics, Uppaluri K&H Personalized Medicine Clinic); PubMed 16613899 (cited by Clinical Genomics, Uppaluri K&H Personalized Medicine Clinic); PubMed 18025408 (cited by Clinical Genomics, Uppaluri K&H Personalized Medicine Clinic); PubMed 32792356 (cited by Clinical Genomics, Uppaluri K&H Personalized Medicine Clinic).